The following is an entry in ClinVar:

NM_198994.3(TGM6):c.1967+2T>C

Gene: TGM6 (transglutaminase 6; plus strand). Cytogenetic location: 20p13.
Variant type: single nucleotide variant.
Coding change: c.1967+2T>C on transcript NM_198994.3 (MANE Select); the canonical splice donor site of the intron after coding-DNA position 1967, T replaced by C.
Molecular consequence: splice donor variant. On other transcripts: intron variant (1).
Genome position (GRCh38, 1-based): chr20:2,431,029, T>C. VCF-style: chr20-2431029-T-C. GRCh37 (hg19) VCF-style: chr20-2411675-T-C.
Other names: c.1833+429T>C (NM_001254734.2).
Identifiers: ClinVar variation 2144875 (VCV002144875.4), dbSNP rs768139721, ClinGen allele CA9732244.
Genomic context (GRCh38, chr20:2,431,029, plus strand): 5'-AAGGACTGTGCGCTGATGGTGGAGGGCAGCGGCCTTCTCCAGGAACAGCTCAGCATCGAG[T>C]AAGTGCCAGCCTGGGGGGCTGGCAGGGAATGGGGCTCTCTTCCTTGTGGATGAGCCAGAG-3'

ClinVar aggregate classification (germline): Uncertain significance (1 of 4 stars; one submission).

gnomAD v4.1: 2 of 1,613,570 alleles (0.00012%); highest among the groups gnomAD compares: Admixed American, 0.0033%; no homozygotes.

Submission:

Labcorp Genetics (formerly Invitae), Labcorp
Classification: Uncertain significance. Last evaluated: 2022-09-01. Review status: criteria provided, single submitter. Criteria: Invitae Variant Classification Sherloc (09022015). Collection method: clinical testing. Allele origin: germline.
Comment: This sequence change falls in intron 12 of the TGM6 gene. It does not directly change the encoded amino acid sequence of the TGM6 protein. It affects a nucleotide within the consensus splice site. This variant is present in population databases (rs768139721, gnomAD 0.006%). This variant has not been reported in the literature in individuals affected with TGM6-related conditions. Variants that disrupt the consensus splice site are a relatively common cause of aberrant splicing (PMID: 17576681, 9536098). Algorithms developed to predict the effect of sequence changes on RNA splicing suggest that this variant may disrupt the consensus splice site. In summary, the available evidence is currently insufficient to determine the role of this variant in disease. Therefore, it has been classified as a Variant of Uncertain Significance.

Literature cited by the submitters: PubMed 17576681; PubMed 9536098.